The following is an entry in ClinVar:

NM_033305.3(VPS13A):c.1078C>T (p.Gln360Ter)

Gene: VPS13A (vacuolar protein sorting 13 homolog A; plus strand). Cytogenetic location: 9q21.2.
Variant type: single nucleotide variant.
Coding change: c.1078C>T on transcript NM_033305.3 (MANE Select); coding-DNA position 1078, C replaced by T.
Protein change: p.Gln360Ter; replaces glutamine 360 with a stop codon.
Molecular consequence: nonsense.
Genome position (GRCh38, 1-based): chr9:77,221,273, C>T. VCF-style: chr9-77221273-C-T. GRCh37 (hg19) VCF-style: chr9-79836189-C-T.
Other names: c.1078C>T, p.Gln360Ter (NM_001018037.2, NM_001018038.3, NM_015186.4); short protein forms Q360*.
Identifiers: ClinVar variation 2885813 (VCV002885813.3), dbSNP rs1447370088, ClinGen allele CA373843969.

ClinVar aggregate classification (germline): Pathogenic (1 of 4 stars; one submission).

Allele frequency attached by ClinVar (database versions not stated): gnomAD exomes below 0.00001; gnomAD 0.00004; TOPMed 0.00005.
gnomAD v4.1: 10 of 1,612,740 alleles (0.00062%); highest among the groups gnomAD compares: Admixed American, 0.013%; no homozygotes.

Submission:

Labcorp Genetics (formerly Invitae), Labcorp
Classification: Pathogenic. Last evaluated: 2023-07-06. Review status: criteria provided, single submitter. Criteria: Invitae Variant Classification Sherloc (09022015). Collection method: clinical testing. Allele origin: germline.
Comment: This sequence change creates a premature translational stop signal (p.Gln360*) in the VPS13A gene. It is expected to result in an absent or disrupted protein product. Loss-of-function variants in VPS13A are known to be pathogenic (PMID: 12404112, 21598378). This variant is present in population databases (no rsID available, gnomAD 0.003%). This premature translational stop signal has been observed in individual(s) with chorea-acanthocytosis (PMID: 33652783). Algorithms developed to predict the effect of sequence changes on RNA splicing suggest that this variant may create or strengthen a splice site. For these reasons, this variant has been classified as Pathogenic.

Literature cited by the submitters: PubMed 12404112; PubMed 21598378; PubMed 33652783.